The following is an entry in ClinVar:

ClinVar aggregate classification (germline): Uncertain significance (1 of 4 stars; one submission).

Submission:

Labcorp Genetics (formerly Invitae), Labcorp
Classification: Uncertain significance. Last evaluated: 2024-03-18. Review status: criteria provided, single submitter. Criteria: Invitae Variant Classification Sherloc (09022015). Collection method: clinical testing. Allele origin: germline.
Comment: This sequence change replaces proline, which is neutral and non-polar, with serine, which is neutral and polar, at codon 3252 of the DCHS1 protein (p.Pro3252Ser). This variant is not present in population databases (gnomAD no frequency). This variant has not been reported in the literature in individuals affected with DCHS1-related conditions. Advanced modeling of protein sequence and biophysical properties (such as structural, functional, and spatial information, amino acid conservation, physicochemical variation, residue mobility, and thermodynamic stability) performed at Invitae indicates that this missense variant is expected to disrupt DCHS1 protein function with a positive predictive value of 95%. In summary, the available evidence is currently insufficient to determine the role of this variant in disease. Therefore, it has been classified as a Variant of Uncertain Significance.

NM_003737.4(DCHS1):c.9754C>T (p.Pro3252Ser)

Gene: DCHS1 (dachsous cadherin-related 1; minus strand). Cytogenetic location: 11p15.4.
Variant type: single nucleotide variant.
Coding change: c.9754C>T on transcript NM_003737.4 (MANE Select); coding-DNA position 9754, C replaced by T.
Protein change: p.Pro3252Ser; replaces proline 3252 with serine.
Molecular consequence: missense variant.
Genome position (GRCh38, 1-based): chr11:6,621,922, G>A on the plus strand (C>T on the coding strand, the complement: DCHS1 is on the minus strand). VCF-style: chr11-6621922-G-A. GRCh37 (hg19) VCF-style: chr11-6643153-G-A.
Other names: short protein forms P3252S.
Identifiers: ClinVar variation 3637860 (VCV003637860.2).